The following is an entry in ClinVar:

NC_000002.12:g.(?_178693912)_(178698924_?)del

Gene: TTN (titin; minus strand). Cytogenetic location: 2q31.2.
Variant type: Deletion.
Identifiers: ClinVar variation 831634 (VCV000831634.3).

ClinVar aggregate classification (germline): Uncertain significance (1 of 4 stars; one submission).

Conditions:
Autosomal recessive limb-girdle muscular dystrophy type 2J (LGMDR10). Also called: Limb-girdle muscular dystrophy, type 2J; MUSCULAR DYSTROPHY, LIMB-GIRDLE, AUTOSOMAL RECESSIVE 10. Identifiers: Orphanet 140922, MedGen C1837342, MONDO:0012127, OMIM 608807.
Dilated cardiomyopathy 1G (CMD1G). Identifiers: Orphanet 154, MedGen C1858763, MONDO:0011400, OMIM 604145.

Submission:

Labcorp Genetics (formerly Invitae), Labcorp
Classification: Uncertain significance for Dilated cardiomyopathy 1G; Autosomal recessive limb-girdle muscular dystrophy type 2J. Last evaluated: 2021-02-18. Review status: criteria provided, single submitter. Criteria: Invitae Variant Classification Sherloc (09022015). Collection method: clinical testing. Allele origin: germline.
Comment: In summary, the available evidence is currently insufficient to determine the role of this variant in disease. Therefore, it has been classified as a Variant of Uncertain Significance. Experimental studies and prediction algorithms are not available for this variant, and the functional significance of the affected amino acids is currently unknown. This variant is located in the I band of TTN (PMID: 25589632).¬†Variants in this region may be relevant for neuromuscular disorders, but have not been definitively shown to cause cardiomyopathy (PMID: 23975875). This variant has not been reported in the literature in individuals with TTN-related conditions. This variant is an in-frame deletion of the genomic region encompassing exons 112-118 of the TTN gene. It preserves the integrity of the reading frame.

Literature cited by the submitters: PubMed 25589632; PubMed 23975875.